The following is an entry in ClinVar:

ClinVar aggregate classification (germline): Uncertain significance (1 of 4 stars; one submission).

Submission:

Ambry Genetics
Classification: Uncertain significance. Last evaluated: 2023-09-29. Review status: criteria provided, single submitter. Criteria: Ambry Variant Classification Scheme 2023. Collection method: clinical testing. Allele origin: germline.
Comment: The p.G157S variant (also known as c.469G>A), located in coding exon 1 of the EGLN2 gene, results from a G to A substitution at nucleotide position 469. The glycine at codon 157 is replaced by serine, an amino acid with similar properties. This amino acid position is conserved. In addition, this alteration is predicted to be tolerated by in silico analysis. Since supporting evidence is limited at this time, the clinical significance of this alteration remains unclear.

NM_080732.4(EGLN2):c.469G>A (p.Gly157Ser)

Genes: EGLN2 (egl-9 family hypoxia inducible factor 2; plus strand), RAB4B-EGLN2 (RAB4B-EGLN2 readthrough (NMD candidate); plus strand). Cytogenetic location: 19q13.2.
Variant type: single nucleotide variant.
Coding change: c.469G>A on transcript NM_080732.4 (MANE Select); coding-DNA position 469, G replaced by A.
Protein change: p.Gly157Ser; replaces glycine 157 with serine.
Molecular consequence: missense variant. On other transcripts: non-coding transcript variant (1).
Genome position (GRCh38, 1-based): chr19:40,801,041, G>A. VCF-style: chr19-40801041-G-A. GRCh37 (hg19) VCF-style: chr19-41306946-G-A.
Other names: c.469G>A, p.Gly157Ser (NM_053046.4); short protein forms G157S.
Identifiers: ClinVar variation 3229003 (VCV003229003.1), dbSNP rs2515994265, ClinGen allele CA405955326.
Genomic context (GRCh38, chr19:40,801,041, plus strand): 5'-GCCAGGCAAGAGAACCAGGAGGCAGAGCGGGAGGGTGGCATGAGCTGCAGCTGCAGCAGT[G>A]GCAGTGGTGAGGCCAGTGCTGGGCTGATGGAGGAGGCGCTGCCCTCTGCGCCCGAGCGCC-3'
Protein context (NP_542770.2, residues 147-167): EGGMSCSCSS[Gly157Ser]SGEASAGLME